The following is an entry in ClinVar:

NM_001903.5(CTNNA1):c.2309C>T (p.Ser770Leu)

Gene: CTNNA1 (catenin alpha 1; plus strand). Cytogenetic location: 5q31.2.
Variant type: single nucleotide variant.
Coding change: c.2309C>T on transcript NM_001903.5 (MANE Select); coding-DNA position 2309, C replaced by T.
Protein change: p.Ser770Leu; replaces serine 770 with leucine.
Molecular consequence: missense variant. On other transcripts: intron variant (1).
Genome position (GRCh38, 1-based): chr5:138,932,588, C>T. VCF-style: chr5-138932588-C-T. GRCh37 (hg19) VCF-style: chr5-138268277-C-T.
Other names: c.2309C>T, p.Ser770Leu (NM_001290307.3, NM_001323982.2, NM_001323983.1 and 2 more transcripts); c.2000C>T, p.Ser667Leu (NM_001290309.3); c.1940C>T, p.Ser647Leu (NM_001290310.3); c.1199C>T, p.Ser400Leu (NM_001290312.1, NM_001323987.1, NM_001323988.1 and 16 more transcripts); c.2216C>T, p.Ser739Leu (NM_001323986.2); c.860C>T, p.Ser287Leu (NM_001324006.1, NM_001324007.1, NM_001324008.1 and 2 more transcripts); c.1106C>T, p.Ser369Leu (NM_001324011.1); c.956C>T, p.Ser319Leu (NM_001324012.1, NM_001324013.1); and 1 more; short protein forms S647L, S770L, S287L, S369L, S667L, S739L, S319L, S400L.
Identifiers: ClinVar variation 1394867 (VCV001394867.9), dbSNP rs2150349053, ClinGen allele CA361134293.

ClinVar aggregate classification (germline): Uncertain significance. Review status: criteria provided, multiple submitters, no conflicts (2 of 4 stars). 2 submissions from 2 submitters: Uncertain significance (2). Last evaluated 2025-04-20.

Conditions:
Hereditary cancer-predisposing syndrome. Also called: Neoplastic Syndromes, Hereditary; Hereditary neoplastic syndrome; Tumor predisposition; Hereditary Cancer Syndrome. Identifiers: Orphanet 140162, MedGen C0027672, MeSH D009386, MONDO:0015356.

gnomAD v4.1: 4 of 1,614,132 alleles (0.00025%); highest among the groups gnomAD compares: Non-Finnish European, 0.00025%; no homozygotes.

Submissions (2):

Ambry Genetics
Classification: Uncertain significance for Hereditary cancer-predisposing syndrome. Last evaluated: 2025-04-20. Review status: criteria provided, single submitter. Criteria: Ambry Variant Classification Scheme 2023. Collection method: clinical testing. Allele origin: germline.
Comment: The p.S770L variant (also known as c.2309C>T), located in coding exon 16 of the CTNNA1 gene, results from a C to T substitution at nucleotide position 2309. The serine at codon 770 is replaced by leucine, an amino acid with dissimilar properties. This amino acid position is highly conserved in available vertebrate species. In addition, this alteration is predicted to be tolerated by in silico analysis. Since supporting evidence is limited at this time, the clinical significance of this alteration remains unclear.

Labcorp Genetics (formerly Invitae), Labcorp
Classification: Uncertain significance. Last evaluated: 2021-11-24. Review status: criteria provided, single submitter. Criteria: Invitae Variant Classification Sherloc (09022015). Collection method: clinical testing. Allele origin: germline.
Comment: In summary, the available evidence is currently insufficient to determine the role of this variant in disease. Therefore, it has been classified as a Variant of Uncertain Significance. Algorithms developed to predict the effect of missense changes on protein structure and function are either unavailable or do not agree on the potential impact of this missense change (SIFT: "Deleterious"; PolyPhen-2: "Benign"; Align-GVGD: "Class C0"). This variant has not been reported in the literature in individuals affected with CTNNA1-related conditions. This variant is not present in population databases (gnomAD no frequency). This sequence change replaces serine, which is neutral and polar, with leucine, which is neutral and non-polar, at codon 770 of the CTNNA1 protein (p.Ser770Leu).